The following is an entry in ClinVar:

ClinVar aggregate classification (germline): Uncertain significance (1 of 4 stars; one submission).

Conditions:
SEMA3G-related disorder. Also called: SEMA3G-related condition.

Submission:

PreventionGenetics, part of Exact Sciences
Classification: Uncertain significance for SEMA3G-related condition. Last evaluated: 2025-09-24. Review status: criteria provided, single submitter. Criteria: ACMG Guidelines, 2015. Collection method: clinical testing. Allele origin: germline.
Comment: The SEMA3G c.999-5G>A variant is predicted to interfere with splicing. This variant is predicted to impact splicing based on a splicing prediction program (SpliceAI, Jaganathan K, et al. 2019. PubMed ID: 30661751). To our knowledge, this variant has not been reported in the literature. This variant is reported in 0.0034% of alleles in individuals of South Asian descent in gnomAD. At this time, the clinical significance of this variant is uncertain due to the absence of conclusive functional and genetic evidence.

NM_020163.3(SEMA3G):c.999-5G>A

Gene: SEMA3G (semaphorin 3G; minus strand). Cytogenetic location: 3p21.1.
Variant type: single nucleotide variant.
Coding change: c.999-5G>A on transcript NM_020163.3 (MANE Select); 5 bases into the intron before coding-DNA position 999, G replaced by A.
Molecular consequence: intron variant.
Genome position (GRCh38, 1-based): chr3:52,440,526, C>T on the plus strand (G>A on the coding strand, the complement: SEMA3G is on the minus strand). VCF-style: chr3-52440526-C-T. GRCh37 (hg19) VCF-style: chr3-52474542-C-T.
Identifiers: ClinVar variation 3349216 (VCV003349216.2).